The following is an entry in ClinVar:

ClinVar aggregate classification (germline): Uncertain significance (1 of 4 stars; one submission).

Submission:

Labcorp Genetics (formerly Invitae), Labcorp
Classification: Uncertain significance. Last evaluated: 2025-05-13. Review status: criteria provided, single submitter. Criteria: Invitae Variant Classification Sherloc (09022015). Collection method: clinical testing. Allele origin: germline.
Comment: This sequence change replaces glycine, which is neutral and non-polar, with alanine, which is neutral and non-polar, at codon 744 of the SLC12A2 protein (p.Gly744Ala). This variant is not present in population databases (gnomAD no frequency). This variant has not been reported in the literature in individuals affected with SLC12A2-related conditions. Invitae Evidence Modeling of protein sequence and biophysical properties (such as structural, functional, and spatial information, amino acid conservation, physicochemical variation, residue mobility, and thermodynamic stability) indicates that this missense variant is not expected to disrupt SLC12A2 protein function with a negative predictive value of 80%. In summary, the available evidence is currently insufficient to determine the role of this variant in disease. Therefore, it has been classified as a Variant of Uncertain Significance.

NM_001046.3(SLC12A2):c.2231G>C (p.Gly744Ala)

Gene: SLC12A2 (solute carrier family 12 member 2; plus strand). Cytogenetic location: 5q23.3.
Variant type: single nucleotide variant.
Coding change: c.2231G>C on transcript NM_001046.3 (MANE Select); coding-DNA position 2231, G replaced by C.
Protein change: p.Gly744Ala; replaces glycine 744 with alanine.
Molecular consequence: missense variant. On other transcripts: non-coding transcript variant (1).
Genome position (GRCh38, 1-based): chr5:128,151,364, G>C. VCF-style: chr5-128151364-G-C. GRCh37 (hg19) VCF-style: chr5-127487056-G-C.
Other names: c.2231G>C, p.Gly744Ala (NM_001256461.2); short protein forms G744A.
Identifiers: ClinVar variation 4702022 (VCV004702022.1).